The following is an entry in ClinVar:

ClinVar aggregate classification (germline): Uncertain significance. Review status: criteria provided, multiple submitters, no conflicts (2 of 4 stars). 4 submissions from 4 submitters: Uncertain significance (4). Last evaluated 2025-10-13.

Conditions:
Classic or attenuated familial adenomatous polyposis. Identifiers: MedGen CN372698, MONDO:0021057.
Hereditary cancer-predisposing syndrome. Also called: Neoplastic Syndromes, Hereditary; Tumor predisposition; Hereditary Cancer Syndrome; Hereditary neoplastic syndrome. Identifiers: Orphanet 140162, MedGen C0027672, MeSH D009386, MONDO:0015356.
Familial adenomatous polyposis 1 (FAP1). Also called: FAMILIAL ADENOMATOUS POLYPOSIS 1, ATTENUATED; POLYPOSIS, ADENOMATOUS INTESTINAL. Identifiers: MedGen C2713442, MONDO:0021056, OMIM 175100. Disease mechanism: loss of function.

Allele frequency attached by ClinVar (database versions not stated): gnomAD exomes below 0.00001; gnomAD 0.00001; TOPMed 0.00001.
gnomAD v4.1: 4 of 1,613,528 alleles (0.00025%); highest among the groups gnomAD compares: Non-Finnish European, 0.00034%; no homozygotes.

Submissions (4):

Labcorp Genetics (formerly Invitae), Labcorp
Classification: Uncertain significance for Familial adenomatous polyposis 1. Last evaluated: 2025-10-13. Review status: criteria provided, single submitter. Criteria: Invitae Variant Classification Sherloc (09022015). Collection method: clinical testing. Allele origin: germline.
Comment: This sequence change replaces phenylalanine, which is neutral and non-polar, with serine, which is neutral and polar, at codon 1963 of the APC protein (p.Phe1963Ser). This variant is not present in population databases (gnomAD no frequency). This variant has not been reported in the literature in individuals affected with APC-related conditions. ClinVar contains an entry for this variant (Variation ID: 923047). Invitae Evidence Modeling of protein sequence and biophysical properties (such as structural, functional, and spatial information, amino acid conservation, physicochemical variation, residue mobility, and thermodynamic stability) indicates that this missense variant is not expected to disrupt APC protein function with a negative predictive value of 95%. In summary, the available evidence is currently insufficient to determine the role of this variant in disease. Therefore, it has been classified as a Variant of Uncertain Significance.

Ambry Genetics
Classification: Uncertain significance for Hereditary cancer-predisposing syndrome. Last evaluated: 2025-09-19. Review status: criteria provided, single submitter. Criteria: Ambry Variant Classification Scheme 2023. Collection method: clinical testing. Allele origin: germline.
Comment: The p.F1963S variant (also known as c.5888T>C), located in coding exon 15 of the APC gene, results from a T to C substitution at nucleotide position 5888. The phenylalanine at codon 1963 is replaced by serine, an amino acid with highly dissimilar properties. This amino acid position is well conserved in available vertebrate species. In addition, in silico predictors for this gene do not accurately predict pathogenicity. Missense alterations in APC are not a common cause of disease (Spier I et al. Genet Med. 2024 Feb;26(2):100992). Based on the available evidence, the clinical significance of this variant remains unclear.

Color Diagnostics, LLC DBA Color Health
Classification: Uncertain significance for Hereditary cancer-predisposing syndrome. Last evaluated: 2024-03-07. Review status: criteria provided, single submitter. Criteria: ACMG Guidelines, 2015. Collection method: clinical testing. Allele origin: germline.
Comment: This missense variant replaces phenylalanine with serine at codon 1963 of the APC protein. Computational prediction suggests that this variant may have deleterious impact on protein structure and function (internally defined REVEL score threshold >= 0.7, PMID: 27666373). To our knowledge, functional studies have not been reported for this variant. This variant has not been reported in individuals affected with hereditary cancer in the literature. This variant has not been identified in the general population by the Genome Aggregation Database (gnomAD). The available evidence is insufficient to determine the role of this variant in disease conclusively. Therefore, this variant is classified as a Variant of Uncertain Significance.

All of Us Research Program, National Institutes of Health
Classification: Uncertain significance for Classic or attenuated familial adenomatous polyposis. Last evaluated: 2023-10-30. Review status: criteria provided, single submitter. Criteria: ACMG Guidelines, 2015. Collection method: clinical testing. Allele origin: germline. Inheritance: Autosomal dominant inheritance. Observed: 1 variant allele, 1 heterozygote.
Comment: This missense variant replaces phenylalanine with serine at codon 1963 of the APC protein. Computational prediction suggests that this variant may have deleterious impact on protein structure and function (internally defined REVEL score threshold >= 0.7, PMID: 27666373). To our knowledge, functional studies have not been reported for this variant. This variant has not been reported in individuals affected with hereditary cancer in the literature. This variant has not been identified in the general population by the Genome Aggregation Database (gnomAD). The available evidence is insufficient to determine the role of this variant in disease conclusively. Therefore, this variant is classified as a Variant of Uncertain Significance.

This study involves interpretation of variants in research participants for the purpose of population health screening. Participant phenotype was not available at the time of variant classification. Additional details can be found in publication PMID: 35346344, PMCID: PMC8962531

NM_000038.6(APC):c.5888T>C (p.Phe1963Ser)

Gene: APC (APC regulator of Wnt signaling pathway; plus strand). Cytogenetic location: 5q22.2.
Variant type: single nucleotide variant.
Coding change: c.5888T>C on transcript NM_000038.6 (MANE Select); coding-DNA position 5888, T replaced by C.
Protein change: p.Phe1963Ser; replaces phenylalanine 1963 with serine.
Molecular consequence: missense variant.
Genome position (GRCh38, 1-based): chr5:112,841,482, T>C. VCF-style: chr5-112841482-T-C. GRCh37 (hg19) VCF-style: chr5-112177179-T-C.
Other names: c.5888T>C, p.Phe1963Ser (NM_001127510.3, NM_001354895.2); c.5834T>C, p.Phe1945Ser (NM_001127511.3); c.5942T>C, p.Phe1981Ser (NM_001354896.2); c.5918T>C, p.Phe1973Ser (NM_001354897.2); c.5813T>C, p.Phe1938Ser (NM_001354898.2); c.5804T>C, p.Phe1935Ser (NM_001354899.2); c.5765T>C, p.Phe1922Ser (NM_001354900.2); c.5711T>C, p.Phe1904Ser (NM_001354901.2); and 5 more; short protein forms F1935S, F1680S, F1837S, F1922S, F1938S, F1963S, F1803S, F1862S.
Identifiers: ClinVar variation 923047 (VCV000923047.18), dbSNP rs1411885238, ClinGen allele CA16034215.
Genomic context (GRCh38, chr5:112,841,482, plus strand): 5'-GAGGGGCAGCAACTGATGAAAAGTTACAGAATTTTGCTATTGAAAATACTCCGGTTTGCT[T>C]TTCTCATAATTCCTCTCTGAGTTCTCTCAGTGACATTGACCAAGAAAACAACAATAAAGA-3'
Protein context (NP_000029.2, residues 1953-1973): NFAIENTPVC[Phe1963Ser]SHNSSLSSLS